The following is an entry in ClinVar:

ClinVar aggregate classification (germline): Uncertain significance. Review status: criteria provided, single submitter (1 of 4 stars). 2 submissions from 2 submitters: Uncertain significance (1). 1 of the submissions does not count toward it. Last evaluated 2019-11-08.

Conditions:
Hereditary cancer-predisposing syndrome. Also called: Hereditary neoplastic syndrome; Neoplastic Syndromes, Hereditary; Hereditary Cancer Syndrome; Tumor predisposition. Identifiers: Orphanet 140162, MedGen C0027672, MeSH D009386, MONDO:0015356.

Submissions (2):

Ambry Genetics
Classification: Uncertain significance for Hereditary cancer-predisposing syndrome. Last evaluated: 2019-11-08. Review status: criteria provided, single submitter. Criteria: Ambry Variant Classification Scheme 2023. Collection method: clinical testing. Allele origin: germline.
Comment: The p.H367N variant (also known as c.1099C>A), located in coding exon 4 of the MSH6 gene, results from a C to A substitution at nucleotide position 1099. The histidine at codon 367 is replaced by asparagine, an amino acid with similar properties. This variant was detected as a secondary finding in 1 out of 572 ClinSeq participants, unselected for personal or family history of cancer, who underwent exome sequencing; however, the clinical information for this particular individual was not provided (Johnston JJ et al. Am. J. Hum. Genet., 2012 Jul;91:97-108). This variant was not reported in population-based cohorts in the Genome Aggregation Database (gnomAD). This amino acid position is highly conserved in available vertebrate species. In addition, the in silico prediction for this alteration is inconclusive. Since supporting evidence is limited at this time, the clinical significance of this alteration remains unclear.

Biesecker Lab/Clinical Genomics Section, National Institutes of Health
Classification: Uncertain significance. Last evaluated: 2012-07-13. Review status: no assertion criteria provided. Collection method: research. Allele origin: germline. Affected: no. Observed: 1 variant allele. Study: ClinSeq. Not counted in ClinVar's aggregate classification.
ClinVar note: Converted during submission from variant of unknown significance to Uncertain significance.

NM_000179.3(MSH6):c.1099C>A (p.His367Asn)

Gene: MSH6 (mutS homolog 6; plus strand). Cytogenetic location: 2p16.3.
Variant type: single nucleotide variant.
Coding change: c.1099C>A on transcript NM_000179.3 (MANE Select); coding-DNA position 1099, C replaced by A.
Protein change: p.His367Asn; replaces histidine 367 with asparagine.
Molecular consequence: missense variant.
Genome position (GRCh38, 1-based): chr2:47,799,082, C>A. VCF-style: chr2-47799082-C-A. GRCh37 (hg19) VCF-style: chr2-48026221-C-A.
Other names: c.709C>A, p.His237Asn (NM_001281492.2); c.193C>A, p.His65Asn (NM_001281493.2, NM_001281494.2); short protein forms H367N, H237N, H65N.
Identifiers: ClinVar variation 41586 (VCV000041586.4), dbSNP rs201193496, ClinGen allele CA008020.